The following is an entry in ClinVar:

NM_007294.4(BRCA1):c.-19T>A

Gene: BRCA1 (BRCA1 DNA repair associated; minus strand). Cytogenetic location: 17q21.31.
Variant type: single nucleotide variant.
Coding change: c.-19T>A on transcript NM_007294.4 (MANE Select); 19 bases upstream of the start codon, T replaced by A.
Molecular consequence: 5 prime UTR variant. On other transcripts: non-coding transcript variant (1).
Genome position (GRCh38, 1-based): chr17:43,124,115, A>T on the plus strand (T>A on the coding strand, the complement: BRCA1 is on the minus strand). VCF-style: chr17-43124115-A-T. GRCh37 (hg19) VCF-style: chr17-41276132-A-T.
Other names: c.-207T>A (NM_001407571.1, NM_001407853.1, NM_001407879.1 and 42 more transcripts); c.-19T>A (NM_001407581.1, NM_001407582.1, NM_001407583.1 and 169 more transcripts); c.-276T>A (NM_001407694.1, NM_001407724.1, NM_001407727.1 and 11 more transcripts); c.-280T>A (NM_001407695.1, NM_001408465.1); c.-421T>A (NM_001407696.1); c.-305T>A (NM_001407697.1, NM_001407846.1, NM_001407920.1); c.-106T>A (NM_001407698.1, NM_001407732.1, NM_001407736.1 and 21 more transcripts); c.-279T>A (NM_001407725.1, NM_001407730.1, NM_001407734.1 and 22 more transcripts); and 8 more.
Identifiers: ClinVar variation 868641 (VCV000868641.3), dbSNP rs2055751504, ClinGen allele CA916081174.

Conditions:
Breast-ovarian cancer, familial, susceptibility to, 1 (BROVCA1). Also called: BRCA1 Hereditary Breast and Ovarian Cancer; OVARIAN CANCER, SUSCEPTIBILITY TO. Identifiers: Orphanet 145, MedGen C2676676, MONDO:0011450, OMIM 604370. Disease mechanism: loss of function.

Submission:

Brotman Baty Institute, University of Washington
No classification provided (evidence only). Condition: Breast-ovarian cancer, familial 1. Review status: no classification provided. Collection method: in vitro. Allele origin: not applicable. Functional consequence: functionally_normal.
ClinVar note: "not provided" was previously submitted as the classification for the variant. However, the classification appeared to be based only on an observation of functional data so it was converted to no classification on 2025-07-30.